The following is an entry in ClinVar:

ClinVar aggregate classification (germline): Uncertain significance (1 of 4 stars; one submission).

Submission:

Labcorp Genetics (formerly Invitae), Labcorp
Classification: Uncertain significance. Last evaluated: 2023-05-23. Review status: criteria provided, single submitter. Criteria: Invitae Variant Classification Sherloc (09022015). Collection method: clinical testing. Allele origin: germline.
Comment: In summary, the available evidence is currently insufficient to determine the role of this variant in disease. Therefore, it has been classified as a Variant of Uncertain Significance. Advanced modeling of protein sequence and biophysical properties (such as structural, functional, and spatial information, amino acid conservation, physicochemical variation, residue mobility, and thermodynamic stability) performed at Invitae indicates that this missense variant is expected to disrupt KMT2C protein function. This variant has not been reported in the literature in individuals affected with KMT2C-related conditions. This variant is not present in population databases (gnomAD no frequency). This sequence change replaces aspartic acid, which is acidic and polar, with histidine, which is basic and polar, at codon 3420 of the KMT2C protein (p.Asp3420His).

NM_170606.3(KMT2C):c.10258G>C (p.Asp3420His)

Gene: KMT2C (lysine methyltransferase 2C; minus strand). Cytogenetic location: 7q36.1.
Variant type: single nucleotide variant.
Coding change: c.10258G>C on transcript NM_170606.3 (MANE Select); coding-DNA position 10258, G replaced by C.
Protein change: p.Asp3420His; replaces aspartic acid 3420 with histidine.
Molecular consequence: missense variant.
Genome position (GRCh38, 1-based): chr7:152,163,319, C>G on the plus strand (G>C on the coding strand, the complement: KMT2C is on the minus strand). VCF-style: chr7-152163319-C-G. GRCh37 (hg19) VCF-style: chr7-151860404-C-G.
Other names: short protein forms D3420H.
Identifiers: ClinVar variation 2791694 (VCV002791694.3), dbSNP rs2129104385, ClinGen allele CA370104211.
Genomic context (GRCh38, chr7:152,163,319, plus strand): 5'-CAGAGCCCACCATACCATGCTGCTCCATTTCCATCCTCTGCTGCAAAGCTCTTTGTCTAT[C>G]TACCTCCTGCATGAGTTGGATCCGTTGTCTCTCTTGCTGTTCTCGTAAACGTTCCTTACG-3'
Protein context (NP_733751.2, residues 3410-3430): RQRIQLMQEV[Asp3420His]RQRALQQRME